The following is an entry in ClinVar:

NM_002295.6(RPSA):c.627+3A>G

Gene: RPSA (ribosomal protein SA; plus strand). Cytogenetic location: 3p22.1.
Variant type: single nucleotide variant.
Coding change: c.627+3A>G on transcript NM_002295.6 (MANE Select); 3 bases into the intron after coding-DNA position 627, A replaced by G.
Molecular consequence: intron variant.
Genome position (GRCh38, 1-based): chr3:39,411,780, A>G. VCF-style: chr3-39411780-A-G. GRCh37 (hg19) VCF-style: chr3-39453271-A-G.
Other names: c.642+3A>G (NM_001304288.2).
Identifiers: ClinVar variation 2892535 (VCV002892535.3), dbSNP rs765194437, ClinGen allele CA2327869.

ClinVar aggregate classification (germline): Uncertain significance (1 of 4 stars; one submission).

Allele frequency attached by ClinVar (database versions not stated): gnomAD exomes below 0.00001; ExAC 0.00001.
gnomAD v4.1: 6 of 1,599,794 alleles (0.00038%); highest among the groups gnomAD compares: South Asian, 0.0022%; no homozygotes.

Submission:

Labcorp Genetics (formerly Invitae), Labcorp
Classification: Uncertain significance. Last evaluated: 2022-12-04. Review status: criteria provided, single submitter. Criteria: Invitae Variant Classification Sherloc (09022015). Collection method: clinical testing. Allele origin: germline.
Comment: In summary, the available evidence is currently insufficient to determine the role of this variant in disease. Therefore, it has been classified as a Variant of Uncertain Significance. Variants that disrupt the consensus splice site are a relatively common cause of aberrant splicing (PMID: 17576681, 9536098). Algorithms developed to predict the effect of sequence changes on RNA splicing suggest that this variant is not likely to affect RNA splicing. This variant has not been reported in the literature in individuals affected with RPSA-related conditions. This variant is present in population databases (rs765194437, gnomAD 0.003%). This sequence change falls in intron 5 of the RPSA gene. It does not directly change the encoded amino acid sequence of the RPSA protein. It affects a nucleotide within the consensus splice site.

Literature cited by the submitters: PubMed 17576681; PubMed 9536098.